The following is an entry in ClinVar:

NM_000051.4(ATM):c.8418+687C>G

Genes: ATM (ATM serine/threonine kinase; plus strand), C11orf65 (chromosome 11 open reading frame 65; minus strand). Cytogenetic location: 11q22.3.
Variant type: single nucleotide variant.
Coding change: c.8418+687C>G on transcript NM_000051.4 (MANE Select); 687 bases into the intron after coding-DNA position 8418, C replaced by G.
Molecular consequence: intron variant.
Genome position (GRCh38, 1-based): chr11:108,344,058, C>G. VCF-style: chr11-108344058-C-G. GRCh37 (hg19) VCF-style: chr11-108214785-C-G.
Other names: c.8418+687C>G (NM_001351834.2); c.641-34987G>C (NM_001330368.2); c.695-8766G>C (NM_001351110.2).
Identifiers: ClinVar variation 4843920 (VCV004843920.1).
Genomic context (GRCh38, chr11:108,344,058, plus strand): 5'-CATAATCCTTATCCTCATTTTAAAATGAGAAGTTCAGAGAACTTGCCCAAGGCCAGTGAG[C>G]TAATAAACAGAGCAAGGATTTGAGCCTTGTCTAAATCCAAAATCCATTTATTGTTCATTT-3'

ClinVar aggregate classification (germline): Uncertain significance (1 of 4 stars; one submission).

Conditions:
Hereditary cancer-predisposing syndrome. Also called: Tumor predisposition; Hereditary neoplastic syndrome; Hereditary Cancer Syndrome; Neoplastic Syndromes, Hereditary. Identifiers: Orphanet 140162, MedGen C0027672, MeSH D009386, MONDO:0015356.

Submission:

Ambry Genetics
Classification: Uncertain significance for Hereditary cancer-predisposing syndrome. Last evaluated: 2026-01-06. Review status: criteria provided, single submitter. Criteria: Ambry Variant Classification Scheme 2023. Collection method: clinical testing. Allele origin: germline.
Comment: The c.8418+687C>G intronic variant results from a C to G substitution 687 nucleotides after coding exon 56 in the ATM gene. This nucleotide position is highly conserved in available vertebrate species. In silico splice site analysis predicts that this alteration may result in the creation or strengthening of a novel splice donor site; however, direct evidence is insufficient at this time (Ambry internal data). Based on the available evidence, the clinical significance of this variant remains unclear.